The following is an entry in ClinVar:

NM_001039958.2(MESP2):c.421C>G (p.Leu141Val)

Gene: MESP2 (mesoderm posterior bHLH transcription factor 2; plus strand). Cytogenetic location: 15q26.1.
Variant type: single nucleotide variant.
Coding change: c.421C>G on transcript NM_001039958.2 (MANE Select); coding-DNA position 421, C replaced by G.
Protein change: p.Leu141Val; replaces leucine 141 with valine.
Molecular consequence: missense variant.
Genome position (GRCh38, 1-based): chr15:89,776,778, C>G. VCF-style: chr15-89776778-C-G. GRCh37 (hg19) VCF-style: chr15-90320009-C-G.
Other names: short protein forms L141V.
Identifiers: ClinVar variation 2962268 (VCV002962268.3), dbSNP rs2505186063, ClinGen allele CA393770120.
Genomic context (GRCh38, chr15:89,776,778, plus strand): 5'-AAGATCGAGACGCTGCGCCTGGCCATCCGCTACATCGGCCACCTATCGGCCGTGCTGGGT[C>G]TCAGCGAGGAGAGTCTGCAGTGCCGGCGCAGGCAGCGCGGGGACGCGGGGTCCCCTTGGG-3'
Protein context (NP_001035047.1, residues 131-151): YIGHLSAVLG[Leu141Val]SEESLQCRRR

ClinVar aggregate classification (germline): Uncertain significance (1 of 4 stars; one submission).

Submission:

Labcorp Genetics (formerly Invitae), Labcorp
Classification: Uncertain significance. Last evaluated: 2023-06-29. Review status: criteria provided, single submitter. Criteria: Invitae Variant Classification Sherloc (09022015). Collection method: clinical testing. Allele origin: germline.
Comment: In summary, the available evidence is currently insufficient to determine the role of this variant in disease. Therefore, it has been classified as a Variant of Uncertain Significance. Advanced modeling of protein sequence and biophysical properties (such as structural, functional, and spatial information, amino acid conservation, physicochemical variation, residue mobility, and thermodynamic stability) performed at Invitae indicates that this missense variant is expected to disrupt MESP2 protein function. This variant has not been reported in the literature in individuals affected with MESP2-related conditions. This variant is not present in population databases (gnomAD no frequency). This sequence change replaces leucine, which is neutral and non-polar, with valine, which is neutral and non-polar, at codon 141 of the MESP2 protein (p.Leu141Val).